The following is an entry in ClinVar:

NM_173598.6(KSR2):c.2513G>A (p.Arg838His)

Gene: KSR2 (kinase suppressor of ras 2; minus strand). Cytogenetic location: 12q24.22.
Variant type: single nucleotide variant.
Coding change: c.2513G>A on transcript NM_173598.6 (MANE Select); coding-DNA position 2513, G replaced by A.
Protein change: p.Arg838His; replaces arginine 838 with histidine.
Molecular consequence: missense variant.
Genome position (GRCh38, 1-based): chr12:117,476,533, C>T on the plus strand (G>A on the coding strand, the complement: KSR2 is on the minus strand). VCF-style: chr12-117476533-C-T. GRCh37 (hg19) VCF-style: chr12-117914338-C-T.
Other names: short protein forms R838H.
Identifiers: ClinVar variation 3352630 (VCV003352630.1).

ClinVar aggregate classification (germline): Uncertain significance (0 of 4 stars; one submission).

Conditions:
KSR2-related disorder. Also called: KSR2-related condition.

gnomAD v4.1: 14 of 1,609,968 alleles (0.00087%); highest among the groups gnomAD compares: Admixed American, 0.0034%; no homozygotes.

Submission:

PreventionGenetics, part of Exact Sciences
Classification: Uncertain significance for KSR2-related condition. Last evaluated: 2024-07-23. Review status: no assertion criteria provided. Collection method: clinical testing. Allele origin: germline.
Comment: The KSR2 c.2426G>A variant is predicted to result in the amino acid substitution p.Arg809His. This variant was reported in a control individual in a case-control study of severe early-onset obesity (described as R838H in Figure 1, Pearce et al. 2013. PubMed ID: 24209692). This variant is reported in 0.0030% of alleles in individuals of Latino descent in gnomAD. At this time, the clinical significance of this variant is uncertain due to the absence of conclusive functional and genetic evidence.